The following is an entry in ClinVar:

ClinVar aggregate classification (germline): Uncertain significance (1 of 4 stars; one submission).

Allele frequency attached by ClinVar (database versions not stated): gnomAD exomes below 0.00001; gnomAD 0.00001; TOPMed 0.00002.
gnomAD v4.1: 4 of 1,612,516 alleles (0.00025%); highest among the groups gnomAD compares: African/African-American, 0.0053%; no homozygotes.

Submission:

Labcorp Genetics (formerly Invitae), Labcorp
Classification: Uncertain significance. Last evaluated: 2022-09-24. Review status: criteria provided, single submitter. Criteria: Invitae Variant Classification Sherloc (09022015). Collection method: clinical testing. Allele origin: germline.
Comment: This sequence change replaces glutamine, which is neutral and polar, with leucine, which is neutral and non-polar, at codon 258 of the C2CD3 protein (p.Gln258Leu). This variant is not present in population databases (gnomAD no frequency). This variant has not been reported in the literature in individuals affected with C2CD3-related conditions. Algorithms developed to predict the effect of missense changes on protein structure and function (SIFT, PolyPhen-2, Align-GVGD) all suggest that this variant is likely to be tolerated. In summary, the available evidence is currently insufficient to determine the role of this variant in disease. Therefore, it has been classified as a Variant of Uncertain Significance.

NM_001286577.2(C2CD3):c.773A>T (p.Gln258Leu)

Genes: C2CD3 (C2 domain containing 3 centriole elongation regulator; minus strand), LOC121392929 (Sharpr-MPRA regulatory region 9619; plus strand). Cytogenetic location: 11q13.4.
Variant type: single nucleotide variant.
Coding change: c.773A>T on transcript NM_001286577.2 (MANE Select); coding-DNA position 773, A replaced by T.
Protein change: p.Gln258Leu; replaces glutamine 258 with leucine.
Molecular consequence: missense variant.
Genome position (GRCh38, 1-based): chr11:74,138,902, T>A on the plus strand (A>T on the coding strand, the complement: C2CD3 is on the minus strand). VCF-style: chr11-74138902-T-A. GRCh37 (hg19) VCF-style: chr11-73849947-T-A.
Other names: c.773A>T, p.Gln258Leu (NM_015531.6); short protein forms Q258L.
Identifiers: ClinVar variation 1717302 (VCV001717302.5), dbSNP rs908385277, ClinGen allele CA224511865.
Genomic context (GRCh38, chr11:74,138,902, plus strand): 5'-CGTGGAGCTCTGCCTTTCAGAGTTACAGACTCTAAACTCTGTCCTGAATTAAGACTGTGC[T>A]GTAGTCCAAAGGAAGAATCCTTTATTGTATCAGGGTTCTCTGCAAAGCATACATGGTCTT-3'
Protein context (NP_001273506.1, residues 248-268): DTIKDSSFGL[Gln258Leu]HSLNSGQSLE